The following is an entry in ClinVar:

NM_018406.7(MUC4):c.8283A>T (p.Ala2761=)

Gene: MUC4 (mucin 4, cell surface associated). Cytogenetic location: 3q29.
Variant type: single nucleotide variant.
Coding change: c.8283A>T on transcript NM_018406.7 (MANE Select); coding-DNA position 8283, A replaced by T.
Protein change: p.Ala2761=; no amino-acid change (alanine 2761 retained).
Molecular consequence: synonymous variant. On other transcripts: intron variant (2).
Genome position (GRCh38, 1-based): chr3:195,783,297, T>A on the plus strand (A>T on the coding strand, the complement: MUC4 is on the minus strand). VCF-style: chr3-195783297-T-A. GRCh37 (hg19) VCF-style: chr3-195510168-T-A.
Other names: c.83-8992A>T (NM_138297.5); c.83-4842A>T (NM_004532.6).
Identifiers: ClinVar variation 4533533 (VCV004533533.6).

ClinVar aggregate classification (germline): Likely benign (1 of 4 stars; one submission).

Submission:

CeGaT Center for Human Genetics Tuebingen
Classification: Likely benign. Last evaluated: 2025-10-01. Review status: criteria provided, single submitter. Criteria: CeGaT Center For Human Genetics Tuebingen Variant Classification Criteria Version 2. Collection method: clinical testing. Allele origin: germline. Affected: yes. Observed: 1 variant allele.
Comment: MUC4: BP4, BP7